The following is an entry in ClinVar:

NM_001364905.1(LRBA):c.3232G>A (p.Val1078Ile)

Gene: LRBA (LPS responsive beige-like anchor protein; minus strand). Cytogenetic location: 4q31.3.
Variant type: single nucleotide variant.
Coding change: c.3232G>A on transcript NM_001364905.1 (MANE Select); coding-DNA position 3232, G replaced by A.
Protein change: p.Val1078Ile; replaces valine 1078 with isoleucine.
Molecular consequence: missense variant.
Genome position (GRCh38, 1-based): chr4:150,852,478, C>T on the plus strand (G>A on the coding strand, the complement: LRBA is on the minus strand). VCF-style: chr4-150852478-C-T. GRCh37 (hg19) VCF-style: chr4-151773630-C-T.
Other names: c.3232G>A, p.Val1078Ile (NM_001199282.3, NM_001367550.1, NM_006726.5); short protein forms V1078I.
Identifiers: ClinVar variation 1393606 (VCV001393606.5), dbSNP rs764470940, ClinGen allele CA3103078.

ClinVar aggregate classification (germline): Uncertain significance (1 of 4 stars; one submission).

Conditions:
Combined immunodeficiency due to LRBA deficiency. Also called: Common variable immunodeficiency 8, with autoimmunity. Identifiers: Orphanet 445018, MedGen C3553512, MONDO:0013863, OMIM 614700.

Allele frequency attached by ClinVar (database versions not stated): gnomAD exomes below 0.00001; TOPMed below 0.00001; ExAC 0.00001; gnomAD 0.00001.
gnomAD v4.1: 5 of 1,613,712 alleles (0.00031%); highest among the groups gnomAD compares: South Asian, 0.0044%; no homozygotes.

Submission:

Labcorp Genetics (formerly Invitae), Labcorp
Classification: Uncertain significance for Combined immunodeficiency due to LRBA deficiency. Last evaluated: 2021-11-16. Review status: criteria provided, single submitter. Criteria: Invitae Variant Classification Sherloc (09022015). Collection method: clinical testing. Allele origin: germline.
Comment: This sequence change replaces valine, which is neutral and non-polar, with isoleucine, which is neutral and non-polar, at codon 1078 of the LRBA protein (p.Val1078Ile). This variant is present in population databases (rs764470940, gnomAD 0.003%). This variant has not been reported in the literature in individuals affected with LRBA-related conditions. Algorithms developed to predict the effect of missense changes on protein structure and function output the following: SIFT: "Tolerated"; PolyPhen-2: "Benign"; Align-GVGD: "Class C0". The isoleucine amino acid residue is found in multiple mammalian species, which suggests that this missense change does not adversely affect protein function. In summary, the available evidence is currently insufficient to determine the role of this variant in disease. Therefore, it has been classified as a Variant of Uncertain Significance.